The following is an entry in ClinVar:

NM_198525.3(KIF7):c.625C>A (p.His209Asn)

Gene: KIF7 (kinesin family member 7; minus strand). Cytogenetic location: 15q26.1.
Variant type: single nucleotide variant.
Coding change: c.625C>A on transcript NM_198525.3 (MANE Select); coding-DNA position 625, C replaced by A.
Protein change: p.His209Asn; replaces histidine 209 with asparagine.
Molecular consequence: missense variant.
Genome position (GRCh38, 1-based): chr15:89,649,272, G>T on the plus strand (C>A on the coding strand, the complement: KIF7 is on the minus strand). VCF-style: chr15-89649272-G-T. GRCh37 (hg19) VCF-style: chr15-90192503-G-T.
Other names: short protein forms H209N.
Identifiers: ClinVar variation 1955000 (VCV001955000.5), dbSNP rs1228483857, ClinGen allele CA393775990.
Genomic context (GRCh38, chr15:89,649,272, plus strand): 5'-CCCGCTGCTCCAGGGTCACGGTGAAGACCGTGTGTGAGCGGCTAGACAGGTGGTTGAGGT[G>T]CGTGGCTCCCGTGTGCCGCGCCGCGTTGCCCATCTCCAGGAGGCTCAGCACCTCATCCAG-3'
Protein context (NP_940927.2, residues 199-219): GNAARHTGAT[His209Asn]LNHLSSRSHT

ClinVar aggregate classification (germline): Uncertain significance (1 of 4 stars; one submission).

Conditions:
Acrocallosal syndrome (ACLS). Also called: Schinzel syndrome 1; Absence of corpus callosum with unusual facial appearance, mental deficiency, duplication of the halluces and polydactyly; HALLUX DUPLICATION, POSTAXIAL POLYDACTYLY, AND ABSENCE OF CORPUS CALLOSUM. Identifiers: Orphanet 36, MedGen C0796147, MONDO:0008708, OMIM 200990.

Allele frequency attached by ClinVar (database versions not stated): gnomAD 0.00001; TOPMed 0.00001.
gnomAD v4.1: 6 of 1,522,090 alleles (0.00039%); highest among the groups gnomAD compares: African/African-American, 0.0083%; no homozygotes.

Submission:

Labcorp Genetics (formerly Invitae), Labcorp
Classification: Uncertain significance for Acrocallosal syndrome. Last evaluated: 2022-09-14. Review status: criteria provided, single submitter. Criteria: Invitae Variant Classification Sherloc (09022015). Collection method: clinical testing. Allele origin: germline.
Comment: In summary, the available evidence is currently insufficient to determine the role of this variant in disease. Therefore, it has been classified as a Variant of Uncertain Significance. Advanced modeling of protein sequence and biophysical properties (such as structural, functional, and spatial information, amino acid conservation, physicochemical variation, residue mobility, and thermodynamic stability) performed at Invitae indicates that this missense variant is not expected to disrupt KIF7 protein function. This variant has not been reported in the literature in individuals affected with KIF7-related conditions. This variant is present in population databases (no rsID available, gnomAD 0.02%). This sequence change replaces histidine, which is basic and polar, with asparagine, which is neutral and polar, at codon 209 of the KIF7 protein (p.His209Asn).